The following is an entry in ClinVar:

NM_000169.3(GLA):c.755G>C (p.Arg252Thr)

Genes: GLA (galactosidase alpha; minus strand), RPL36A-HNRNPH2 (RPL36A-HNRNPH2 readthrough; plus strand). Cytogenetic location: Xq22.1.
Variant type: single nucleotide variant.
Coding change: c.755G>C on transcript NM_000169.3 (MANE Select); coding-DNA position 755, G replaced by C.
Protein change: p.Arg252Thr; replaces arginine 252 with threonine.
Molecular consequence: missense variant. On other transcripts: non-coding transcript variant (3), intron variant (2).
Genome position (GRCh38, 1-based): chrX:101,398,831, C>G on the plus strand (G>C on the coding strand, the complement: GLA is on the minus strand). VCF-style: chrX-101398831-C-G. GRCh37 (hg19) VCF-style: chrX-100653819-C-G.
Other names: c.878G>C, p.Arg293Thr (NM_001406747.1); c.755G>C, p.Arg252Thr (NM_001406748.1); c.300+3374C>G (NM_001199973.2); c.177+7009C>G (NM_001199974.2); short protein forms R252T, R293T.
Identifiers: ClinVar variation 222380 (VCV000222380.22), dbSNP rs147026639, ClinGen allele CA352296.

ClinVar aggregate classification (germline): Uncertain significance. Review status: criteria provided, multiple submitters, no conflicts (2 of 4 stars). 8 submissions from 8 submitters: Uncertain significance (7). 1 of the submissions does not count toward it. Last evaluated 2026-09-08.

Conditions:
Fabry disease. Also called: GLA DEFICIENCY; HEREDITARY DYSTOPIC LIPIDOSIS; Fabry's disease; Angiokeratoma corporis diffusum; Ceramide trihexosidosis; ALPHA-GALACTOSIDASE A DEFICIENCY. Identifiers: Orphanet 324, MedGen C0002986, MONDO:0010526, OMIM 301500, HP:0001071. Disease mechanism: loss of function, Fabry disease is due to inactivating mutations in the X-linked GLA gene resulting in deficiency of the enzyme Alpha Galactosidase-A..
GLA-related disorder. Also called: GLA-related condition.
Cardiovascular phenotype. Identifiers: MedGen CN230736.

Allele frequency attached by ClinVar (database versions not stated): gnomAD exomes 0.00001; TOPMed 0.00002; gnomAD 0.00005; ESP Exome Variant Server 0.00009.
gnomAD v4.1: 13 of 1,209,239 alleles (0.0011%); highest among the groups gnomAD compares: Non-Finnish European, 0.0015%; no homozygotes.

Submissions (8):

Genomenon, Inc
Classification: Uncertain significance for Fabry disease. Last evaluated: 2026-09-08. Review status: criteria provided, single submitter. Criteria: Genomenon Sequence Variant Interpretation Standards - Updated. Collection method: curation. Allele origin: germline. Affected: yes.
Comment: GLA p.Arg252Thr (c.755G>C) is a missense variant that changes the amino acid at codon 252 from Arginine to Threonine. This variant has been observed in at least one proband with clinical features consistent with Fabry disease (PMID:24626231). Functional or patient cell studies have been reported (PMID:32023956;39704415;23935525;27657681;38212965). It is absent or not present at a significant frequency in gnomAD. In conclusion, we classify GLA p.Arg252Thr (c.755G>C) as a variant of uncertain significance.

Labcorp Genetics (formerly Invitae), Labcorp
Classification: Uncertain significance for Fabry disease. Last evaluated: 2026-01-20. Review status: criteria provided, single submitter. Criteria: Invitae Variant Classification Sherloc (09022015). Collection method: clinical testing. Allele origin: germline.
Comment: This sequence change replaces arginine, which is basic and polar, with threonine, which is neutral and polar, at codon 252 of the GLA protein (p.Arg252Thr). This variant is present in population databases (rs147026639, gnomAD 0.003%). This missense change has been observed in individual(s) with clinical features of Fabry disease (PMID: 23935525, 24626231). ClinVar contains an entry for this variant (Variation ID: 222380). Invitae Evidence Modeling of protein sequence and biophysical properties (such as structural, functional, and spatial information, amino acid conservation, physicochemical variation, residue mobility, and thermodynamic stability) indicates that this missense variant is not expected to disrupt GLA protein function with a negative predictive value of 80%. Experimental studies have shown that this missense change does not substantially affect GLA function (PMID: 23935525, 27657681). In summary, the available evidence is currently insufficient to determine the role of this variant in disease. Therefore, it has been classified as a Variant of Uncertain Significance.

Women's Health and Genetics/Laboratory Corporation of America, LabCorp
Classification: Uncertain significance. Last evaluated: 2024-12-02. Review status: criteria provided, single submitter. Criteria: LabCorp Variant Classification Summary - May 2015. Collection method: clinical testing. Allele origin: germline.
Comment: Variant summary: GLA c.755G>C (p.Arg252Thr) results in a non-conservative amino acid change located in the glycosyl hydrolase family 27 (GH27) domain (IPR002241) of the encoded protein sequence. Three of five in-silico tools predict a benign effect of the variant on protein function. The variant allele was found at a frequency of 1.1e-05 in 183471 control chromosomes. The available data on variant occurrences in the general population are insufficient to allow any conclusion about variant significance. c.755G>C has been reported in the literature in individual(s) affected with Fabry disease; however, no clinical phenotype, family data or second allele change(s) have been revealed (Lukas_2013). These report(s) do not provide unequivocal conclusions about association of the variant with Fabry disease. At least one publication reports experimental evidence evaluating an impact on protein function (Lukas_2013). These results showed no damaging effect of this variant. The following publications have been ascertained in the context of this evaluation (PMID: 23935525, 27153395). ClinVar contains an entry for this variant (Variation ID: 222380). Based on the evidence outlined above, the variant was classified as uncertain significance.

Color Diagnostics, LLC DBA Color Health
Classification: Uncertain significance for Fabry disease. Last evaluated: 2024-09-06. Review status: criteria provided, single submitter. Criteria: ACMG Guidelines, 2015. Collection method: clinical testing. Allele origin: germline.
Comment: This missense variant replaces arginine with threonine at codon 252 of the GLA protein. Computational prediction tools indicate that this variant has a neutral impact on protein structure and function. Multiple in vitro functional studies have shown that this variant causes a greater than 70% residual alpha-galactosidase level (PMID: 23935525, 27657681, 32023956). This variant has not been reported in several individuals suspected to be affected with Fabry disease (PMID: 23935525, 24626231). This variant has been identified in 4/205417 chromosomes in the general population by the Genome Aggregation Database (gnomAD). The available evidence is insufficient to determine the role of this variant in disease conclusively. Therefore, this variant is classified as a Variant of Uncertain Significance.

Ambry Genetics
Classification: Uncertain significance for Cardiovascular phenotype. Last evaluated: 2023-09-06. Review status: criteria provided, single submitter. Criteria: Ambry Variant Classification Scheme 2023. Collection method: clinical testing. Allele origin: germline.
Comment: The p.R252T variant (also known as c.755G>C), located in coding exon 5 of the GLA gene, results from a G to C substitution at nucleotide position 755. The arginine at codon 252 is replaced by threonine, an amino acid with similar properties. This alteration has been reported in Fabry disease cohorts; however, clinical details were limited, and an in vitro analysis showed this alteration had >50% enzyme activity compared to wild-type (Lukas J et al. PLoS Genet, 2013 Aug;9:e1003632; Feustel A et al. PLoS One, 2014 Mar;9:e91757). Based on data from gnomAD, the C allele has an overall frequency of 0.0019% (4/205417) total alleles studied, with 1 hemizygote(s) observed. The highest observed frequency was 0.0043% (4/92761) of European (non-Finnish) alleles. This amino acid position is poorly conserved in available vertebrate species. In addition, this alteration is predicted to be tolerated by in silico analysis. Since supporting evidence is limited at this time, the clinical significance of this alteration remains unclear.

PreventionGenetics, part of Exact Sciences
Classification: Uncertain significance for GLA-related condition. Last evaluated: 2023-01-09. Review status: criteria provided, single submitter. Criteria: ACMG Guidelines, 2015. Collection method: clinical testing. Allele origin: germline.
Comment: The GLA c.755G>C variant is predicted to result in the amino acid substitution p.Arg252Thr. This variant has been reported in individuals with Fabry disease (Lukas et al. 2013. PubMed ID: 23935525). However, it is also reported in 0.0043% of alleles in individuals of European (Non-Finnish) descent in gnomAD, including one hemizygous individual. While this variant may be benign, at this time, the clinical significance of this variant is uncertain due to the absence of conclusive functional and genetic evidence.

Genome-Nilou Lab
Classification: Uncertain significance for Fabry disease. Last evaluated: 2021-07-15. Review status: criteria provided, single submitter. Criteria: ACMG Guidelines, 2015. Collection method: clinical testing. Allele origin: germline. Affected: no.

Natera, Inc.
Classification: Uncertain significance for Fabry disease. Last evaluated: 2020-08-05. Review status: no assertion criteria provided. Collection method: clinical testing. Allele origin: germline. Not counted in ClinVar's aggregate classification.

Literature cited by the submitters: PubMed 24626231 (cited by 4 submitters); PubMed 32023956 (cited by Genomenon, Inc and Color Diagnostics, LLC DBA Color Health); PubMed 39704415 (cited by Genomenon, Inc); PubMed 23935525 (cited by 5 submitters); PubMed 27657681 (cited by 3 submitters); PubMed 38212965 (cited by Genomenon, Inc); PubMed 27153395 (cited by Women's Health and Genetics/Laboratory Corporation of America, LabCorp).